The following is an entry in ClinVar:

NM_004415.4(DSP):c.1541C>T (p.Pro514Leu)

Gene: DSP (desmoplakin; plus strand). Cytogenetic location: 6p24.3.
Variant type: single nucleotide variant.
Coding change: c.1541C>T on transcript NM_004415.4 (MANE Select); coding-DNA position 1541, C replaced by T.
Protein change: p.Pro514Leu; replaces proline 514 with leucine.
Molecular consequence: missense variant.
Genome position (GRCh38, 1-based): chr6:7,569,307, C>T. VCF-style: chr6-7569307-C-T. GRCh37 (hg19) VCF-style: chr6-7569540-C-T.
Other names: c.1541C>T, p.Pro514Leu (NM_001008844.3, NM_001319034.2); short protein forms P514L.
Identifiers: ClinVar variation 4881156 (VCV004881156.2).
Genomic context (GRCh38, chr6:7,569,307, plus strand): 5'-ACGTGACGGGCCCGGGAGGCGTTGACATGCTTGTTCCCTCTGTGGGGCTGATCATCCCTC[C>T]TCCGAACCCACTGGCCGTGGACCTCTCTTGCAAGTAAGTCATCCAAGTTCCCAAAGCCAC-3'
Protein context (NP_004406.2, residues 504-524): LVPSVGLIIP[Pro514Leu]PNPLAVDLSC

ClinVar aggregate classification (germline): Uncertain significance (1 of 4 stars; one submission).

Conditions:
Arrhythmogenic cardiomyopathy with wooly hair and keratoderma. Also called: PALMOPLANTAR KERATODERMA WITH LEFT VENTRICULAR CARDIOMYOPATHY AND WOOLLY HAIR; Carvajal syndrome; Dilated cardiomyopathy with woolly hair and keratoderma; Arrhythmogenic cardiomyopathy with woolly hair and keratoderma. Identifiers: Orphanet 65282, MedGen C1854063, MONDO:0011581, OMIM 605676.

Submission:

Dasa
Classification: Uncertain significance for Arrhythmogenic cardiomyopathy with wooly hair and keratoderma. Last evaluated: 2026-02-06. Review status: criteria provided, single submitter. Criteria: DASA Assertion Criteria. Collection method: clinical testing. Allele origin: germline.
Comment: NM_004415.4(DSP):c.1541C>T (p.Pro514Leu) is a missense variant that results in the substitution of proline with leucine. This variant is rare in population databases. Computational prediction algorithms are consistent with a deleterious effect. The currently available literature and clinical evidence are not sufficient to establish a definitive association between this variant and the reported condition. Therefore, this variant is classified as a variant of uncertain significance.